The following is an entry in ClinVar:

ClinVar aggregate classification (germline): Likely benign. Review status: criteria provided, multiple submitters, no conflicts (2 of 4 stars). 3 submissions from 3 submitters: Likely benign (3). Last evaluated 2026-04-12.

Conditions:
Nephronophthisis 14 (NPHP14). Identifiers: Orphanet 2318, MedGen C3539071, MONDO:0013916, OMIM 614844.
ZNF423-related disorder. Also called: ZNF423-related condition.

Allele frequency attached by ClinVar (database versions not stated): ExAC 0.00002; gnomAD exomes 0.00002 and 0.00004; gnomAD 0.00003 and 0.00004; TOPMed 0.00004.
gnomAD v4.1: 18 of 1,610,034 alleles (0.0011%); highest among the groups gnomAD compares: Admixed American, 0.022%; no homozygotes.

Submissions (3):

PreventionGenetics, part of Exact Sciences
Classification: Likely benign for ZNF423-related condition. Last evaluated: 2026-04-12. Review status: criteria provided, single submitter. Criteria: ACMG Guidelines, 2015. Collection method: clinical testing. Allele origin: germline.
Comment: This variant is classified as likely benign based on ACMG/AMP sequence variant interpretation guidelines (Richards et al. 2015 PMID: 25741868, with internal and published modifications).

Labcorp Genetics (formerly Invitae), Labcorp
Classification: Likely benign for Nephronophthisis 14. Last evaluated: 2025-08-11. Review status: criteria provided, single submitter. Criteria: Invitae Variant Classification Sherloc (09022015). Collection method: clinical testing. Allele origin: germline.

Blueprint Genetics
Classification: Likely benign. Last evaluated: 2022-07-18. Review status: criteria provided, single submitter. Criteria: ACMG Guidelines, 2015. Collection method: clinical testing. Allele origin: germline.

NM_001379286.1(ZNF423):c.1017G>A (p.Gln339=)

Gene: ZNF423 (zinc finger protein 423; minus strand). Cytogenetic location: 16q12.1.
Variant type: single nucleotide variant.
Coding change: c.1017G>A on transcript NM_001379286.1 (MANE Select); coding-DNA position 1017, G replaced by A.
Protein change: p.Gln339=; no amino-acid change (glutamine 339 retained).
Molecular consequence: synonymous variant.
Genome position (GRCh38, 1-based): chr16:49,638,159, C>T on the plus strand (G>A on the coding strand, the complement: ZNF423 is on the minus strand). VCF-style: chr16-49638159-C-T. GRCh37 (hg19) VCF-style: chr16-49672070-C-T.
Other names: c.813G>A, p.Gln271= (NM_001271620.2); c.642G>A, p.Gln214= (NM_001330533.2); c.993G>A, p.Gln331= (NM_015069.5); c.993G>A (NM_015069.4).
Identifiers: ClinVar variation 1621259 (VCV001621259.10), dbSNP rs779613521, ClinGen allele CA8046771.